The following is an entry in ClinVar:

ClinVar aggregate classification (germline): Benign. Review status: criteria provided, multiple submitters, no conflicts (2 of 4 stars). 3 submissions from 3 submitters: Benign (2). 1 of the submissions does not count toward it. Last evaluated 2024-10-18.

Conditions:
NFATC1-related disorder. Also called: NFATC1-related condition.

Allele frequency attached by ClinVar (database versions not stated): gnomAD exomes 0.00055; ExAC 0.00062; 1000 Genomes Project 0.00160; ESP Exome Variant Server 0.00177; 1000 Genomes Project 30x 0.00187; gnomAD 0.00186 and 0.00199; TOPMed 0.00203.
gnomAD v4.1: 764 of 1,612,478 alleles (0.047%); highest among the groups gnomAD compares: African/African-American, 0.64%; 6 homozygotes.

Submissions (3):

Labcorp Genetics (formerly Invitae), Labcorp
Classification: Benign. Last evaluated: 2024-10-18. Review status: criteria provided, single submitter. Criteria: Invitae Variant Classification Sherloc (09022015). Collection method: clinical testing. Allele origin: germline.

Breakthrough Genomics
Classification: Benign. Review status: criteria provided, single submitter. Criteria: ACMG Guidelines, 2015. Collection method: not provided. Allele origin: germline. Inheritance: Unknown mechanism. Affected: yes.

PreventionGenetics, part of Exact Sciences
Classification: Likely benign for NFATC1-related condition. Last evaluated: 2019-12-27. Review status: no assertion criteria provided. Collection method: clinical testing. Allele origin: germline. Not counted in ClinVar's aggregate classification.
Comment: This variant is classified as likely benign based on ACMG/AMP sequence variant interpretation guidelines (Richards et al. 2015 PMID: 25741868, with internal and published modifications).

NM_001278669.2(NFATC1):c.1589+8G>A

Gene: NFATC1 (nuclear factor of activated T cells 1; plus strand). Cytogenetic location: 18q23.
Variant type: single nucleotide variant.
Coding change: c.1589+8G>A on transcript NM_001278669.2 (MANE Select); 8 bases into the intron after coding-DNA position 1589, G replaced by A.
Molecular consequence: intron variant.
Genome position (GRCh38, 1-based): chr18:79,448,992, G>A. VCF-style: chr18-79448992-G-A. GRCh37 (hg19) VCF-style: chr18-77208992-G-A.
Other names: c.1589+8G>A (NM_006162.5, NM_001278670.2, NM_172390.3 and 1 more transcripts); c.173+8G>A (NM_172388.3, NM_001278673.2); c.1550+8G>A (NM_172387.3, NM_172389.3, NM_001278672.2 and 1 more transcripts).
Identifiers: ClinVar variation 724417 (VCV000724417.12), dbSNP rs201427841, ClinGen allele CA9009243.